The following is an entry in ClinVar:

ClinVar aggregate classification (germline): Uncertain significance. Review status: criteria provided, multiple submitters, no conflicts (2 of 4 stars). 2 submissions from 2 submitters: Uncertain significance (2). Last evaluated 2024-11-27.

Conditions:
Bethlem myopathy 1A. Also called: Bethlem Muscular Dystrophy; MYOPATHY, BENIGN CONGENITAL, WITH CONTRACTURES; Bethlem myopathy 1. Identifiers: Orphanet 610, MedGen CN029274, MONDO:0024530, OMIM 158810.
Inborn genetic diseases. Identifiers: MedGen C0950123, MeSH D030342.

Allele frequency attached by ClinVar (database versions not stated): gnomAD exomes below 0.00001; ExAC 0.00002.
gnomAD v4.1: 3 of 1,614,030 alleles (0.00019%); highest among the groups gnomAD compares: Non-Finnish European, 0.00025%; no homozygotes.

Submissions (2):

Labcorp Genetics (formerly Invitae), Labcorp
Classification: Uncertain significance for Bethlem myopathy 1A. Last evaluated: 2024-11-27. Review status: criteria provided, single submitter. Criteria: Invitae Variant Classification Sherloc (09022015). Collection method: clinical testing. Allele origin: germline.
Comment: This sequence change replaces arginine, which is basic and polar, with lysine, which is basic and polar, at codon 1591 of the COL6A3 protein (p.Arg1591Lys). This variant is present in population databases (rs770825071, gnomAD 0.0009%). This variant has not been reported in the literature in individuals affected with COL6A3-related conditions. ClinVar contains an entry for this variant (Variation ID: 2314356). Invitae Evidence Modeling of protein sequence and biophysical properties (such as structural, functional, and spatial information, amino acid conservation, physicochemical variation, residue mobility, and thermodynamic stability) indicates that this missense variant is not expected to disrupt COL6A3 protein function with a negative predictive value of 80%. In summary, the available evidence is currently insufficient to determine the role of this variant in disease. Therefore, it has been classified as a Variant of Uncertain Significance.

Ambry Genetics
Classification: Uncertain significance for Inborn genetic diseases. Last evaluated: 2022-09-28. Review status: criteria provided, single submitter. Criteria: Ambry Variant Classification Scheme 2023. Collection method: clinical testing. Allele origin: germline.

NM_004369.4(COL6A3):c.4772G>A (p.Arg1591Lys)

Gene: COL6A3 (collagen type VI alpha 3 chain; minus strand). Cytogenetic location: 2q37.3.
Variant type: single nucleotide variant.
Coding change: c.4772G>A on transcript NM_004369.4 (MANE Select); coding-DNA position 4772, G replaced by A.
Protein change: p.Arg1591Lys; replaces arginine 1591 with lysine.
Molecular consequence: missense variant.
Genome position (GRCh38, 1-based): chr2:237,368,691, C>T on the plus strand (G>A on the coding strand, the complement: COL6A3 is on the minus strand). VCF-style: chr2-237368691-C-T. GRCh37 (hg19) VCF-style: chr2-238277334-C-T.
Other names: c.2951G>A, p.Arg984Lys (NM_057166.5); c.4154G>A, p.Arg1385Lys (NM_057167.4); short protein forms R1591K, R1385K, R984K.
Identifiers: ClinVar variation 2314356 (VCV002314356.4), dbSNP rs770825071, ClinGen allele CA2188816.
Genomic context (GRCh38, chr2:237,368,691, plus strand): 5'-TTCATGATTCTTTCTTCTATGTTGGGAAGCTCTCTGAACTCTCGCACTGTGAAGACCAGT[C>T]TGGGGTCATTGGTGATGGTCTGCAGCTCTGTTCTGTCGATGTTCCGGTCTCCTACCCCTA-3'
Protein context (NP_004360.2, residues 1581-1601): TELQTITNDP[Arg1591Lys]LVFTVREFRE